The following is an entry in ClinVar:

NM_032608.7(MYO18B):c.5615C>T (p.Thr1872Met)

Gene: MYO18B (myosin XVIIIB; plus strand). Cytogenetic location: 22q12.1.
Variant type: single nucleotide variant.
Coding change: c.5615C>T on transcript NM_032608.7 (MANE Select); coding-DNA position 5615, C replaced by T.
Protein change: p.Thr1872Met; replaces threonine 1872 with methionine.
Molecular consequence: missense variant.
Genome position (GRCh38, 1-based): chr22:25,946,234, C>T. VCF-style: chr22-25946234-C-T. GRCh37 (hg19) VCF-style: chr22-26342200-C-T.
Other names: c.5618C>T, p.Thr1873Met (NM_001318245.2); short protein forms T1872M, T1873M.
Identifiers: ClinVar variation 1902858 (VCV001902858.5), dbSNP rs866020163, ClinGen allele CA411007835.
Genomic context (GRCh38, chr22:25,946,234, plus strand): 5'-AGACGCAGAAGGTGCTCACAGCGGACCTGGAGAGCATGCACAGCGAGCTGGAGAACATGA[C>T]GCGGAACAAGAGCCTGGTACCTGTCCCTTCCTGCAGCTGCAGGGACCTGGGCCAGCATAG-3'
Protein context (NP_115997.5, residues 1862-1882): ESMHSELENM[Thr1872Met]RNKSLVDEQL

ClinVar aggregate classification (germline): Uncertain significance (1 of 4 stars; one submission).

Allele frequency attached by ClinVar (database versions not stated): gnomAD 0.00001; gnomAD exomes 0.00001; TOPMed 0.00001.
gnomAD v4.1: 21 of 1,576,098 alleles (0.0013%); highest among the groups gnomAD compares: South Asian, 0.011%; no homozygotes.

Submission:

Labcorp Genetics (formerly Invitae), Labcorp
Classification: Uncertain significance. Last evaluated: 2022-03-13. Review status: criteria provided, single submitter. Criteria: Invitae Variant Classification Sherloc (09022015). Collection method: clinical testing. Allele origin: germline.
Comment: Algorithms developed to predict the effect of missense changes on protein structure and function are either unavailable or do not agree on the potential impact of this missense change (SIFT: "Not Available"; PolyPhen-2: "Possibly Damaging"; Align-GVGD: "Not Available"). In summary, the available evidence is currently insufficient to determine the role of this variant in disease. Therefore, it has been classified as a Variant of Uncertain Significance. This variant has not been reported in the literature in individuals affected with MYO18B-related conditions. The frequency data for this variant in the population databases is considered unreliable, as metrics indicate poor data quality at this position in the gnomAD database. This sequence change replaces threonine, which is neutral and polar, with methionine, which is neutral and non-polar, at codon 1872 of the MYO18B protein (p.Thr1872Met).